The following is an entry in ClinVar:

NM_144573.4(NEXN):c.2017A>G (p.Ser673Gly)

Gene: NEXN (nexilin F-actin binding protein; plus strand). Cytogenetic location: 1p31.1.
Variant type: single nucleotide variant.
Coding change: c.2017A>G on transcript NM_144573.4 (MANE Select); coding-DNA position 2017, A replaced by G.
Protein change: p.Ser673Gly; replaces serine 673 with glycine.
Molecular consequence: missense variant.
Genome position (GRCh38, 1-based): chr1:77,942,818, A>G. VCF-style: chr1-77942818-A-G. GRCh37 (hg19) VCF-style: chr1-78408503-A-G.
Other names: c.1825A>G, p.Ser609Gly (NM_001172309.2); short protein forms S609G, S673G.
Identifiers: ClinVar variation 1019679 (VCV001019679.8), dbSNP rs1651500018, ClinGen allele CA340883766.

ClinVar aggregate classification (germline): Uncertain significance (1 of 4 stars; one submission).

Conditions:
Hypertrophic cardiomyopathy 20. Identifiers: MedGen C3151267, MONDO:0013477, OMIM 613876.
Dilated cardiomyopathy 1CC (CMD1CC). Identifiers: Orphanet 154, MedGen C2751084, MONDO:0013147, OMIM 613122.

Allele frequency attached by ClinVar (database versions not stated): gnomAD exomes below 0.00001.
gnomAD v4.1: 1 of 1,600,304 alleles (0.000062%); highest among the groups gnomAD compares: Non-Finnish European, 0.000086%; no homozygotes.

Submission:

Labcorp Genetics (formerly Invitae), Labcorp
Classification: Uncertain significance for Dilated cardiomyopathy 1CC; Hypertrophic cardiomyopathy 20. Last evaluated: 2022-05-11. Review status: criteria provided, single submitter. Criteria: Invitae Variant Classification Sherloc (09022015). Collection method: clinical testing. Allele origin: germline.
Comment: Algorithms developed to predict the effect of missense changes on protein structure and function are either unavailable or do not agree on the potential impact of this missense change (SIFT: "Deleterious"; PolyPhen-2: "Benign"; Align-GVGD: "Class C0"). In summary, the available evidence is currently insufficient to determine the role of this variant in disease. Therefore, it has been classified as a Variant of Uncertain Significance. Algorithms developed to predict the effect of sequence changes on RNA splicing suggest that this variant may create or strengthen a splice site. ClinVar contains an entry for this variant (Variation ID: 1019679). This variant has not been reported in the literature in individuals affected with NEXN-related conditions. This variant is not present in population databases (gnomAD no frequency). This sequence change replaces serine, which is neutral and polar, with glycine, which is neutral and non-polar, at codon 673 of the NEXN protein (p.Ser673Gly).